The following is an entry in ClinVar:

ClinVar aggregate classification (germline): Uncertain significance (1 of 4 stars; one submission).

Submission:

Labcorp Genetics (formerly Invitae), Labcorp
Classification: Uncertain significance. Last evaluated: 2024-07-25. Review status: criteria provided, single submitter. Criteria: Invitae Variant Classification Sherloc (09022015). Collection method: clinical testing. Allele origin: germline.
Comment: This sequence change replaces leucine, which is neutral and non-polar, with arginine, which is basic and polar, at codon 1206 of the KMT2A protein (p.Leu1206Arg). This variant is not present in population databases (gnomAD no frequency). This variant has not been reported in the literature in individuals affected with KMT2A-related conditions. ClinVar contains an entry for this variant (Variation ID: 1714093). Advanced modeling of protein sequence and biophysical properties (such as structural, functional, and spatial information, amino acid conservation, physicochemical variation, residue mobility, and thermodynamic stability) has been performed at Invitae for this missense variant, however the output from this modeling did not meet the statistical confidence thresholds required to predict the impact of this variant on KMT2A protein function. In summary, the available evidence is currently insufficient to determine the role of this variant in disease. Therefore, it has been classified as a Variant of Uncertain Significance.

NM_001197104.2(KMT2A):c.3617T>G (p.Leu1206Arg)

Gene: KMT2A (lysine methyltransferase 2A; plus strand). Cytogenetic location: 11q23.3.
Variant type: single nucleotide variant.
Coding change: c.3617T>G on transcript NM_001197104.2 (MANE Select); coding-DNA position 3617, T replaced by G.
Protein change: p.Leu1206Arg; replaces leucine 1206 with arginine.
Molecular consequence: missense variant.
Genome position (GRCh38, 1-based): chr11:118,480,221, T>G. VCF-style: chr11-118480221-T-G. GRCh37 (hg19) VCF-style: chr11-118350936-T-G.
Other names: c.3716T>G, p.Leu1239Arg (NM_001412597.1); c.3617T>G, p.Leu1206Arg (NM_005933.4); short protein forms L1206R, L1239R.
Identifiers: ClinVar variation 1714093 (VCV001714093.5), dbSNP rs145811623, ClinGen allele CA382826486.